The following is an entry in ClinVar:

ClinVar aggregate classification (germline): Uncertain significance (1 of 4 stars; one submission).

Submission:

GeneDx
Classification: Uncertain significance. Last evaluated: 2022-09-26. Review status: criteria provided, single submitter. Criteria: GeneDx Variant Classification Process June 2021. Collection method: clinical testing. Allele origin: germline. Affected: yes.
Comment: Not observed at significant frequency in large population cohorts (gnomAD); In silico analysis supports that this missense variant has a deleterious effect on protein structure/function; Has not been previously published as pathogenic or benign to our knowledge

NM_000170.3(GLDC):c.1300T>C (p.Phe434Leu)

Gene: GLDC (glycine decarboxylase; minus strand). Cytogenetic location: 9p24.1.
Variant type: single nucleotide variant.
Coding change: c.1300T>C on transcript NM_000170.3 (MANE Select); coding-DNA position 1300, T replaced by C.
Protein change: p.Phe434Leu; replaces phenylalanine 434 with leucine.
Molecular consequence: missense variant.
Genome position (GRCh38, 1-based): chr9:6,592,952, A>G on the plus strand (T>C on the coding strand, the complement: GLDC is on the minus strand). VCF-style: chr9-6592952-A-G. GRCh37 (hg19) VCF-style: chr9-6592952-A-G.
Other names: short protein forms F434L.
Identifiers: ClinVar variation 2446175 (VCV002446175.1), dbSNP rs2489085284, ClinGen allele CA372894106.
Genomic context (GRCh38, chr9:6,592,952, plus strand): 5'-CGGCCCTGCCCAAGACCTCCTTCACTGAGCAGCCACACTGAATCTTCAAGGTATCAAAGA[A>G]CAGGTCATGCTGGAGTTGATGCCCTGCTCGCTTGAGACCTACACAAGATAGGAGATCCCC-3'
Protein context (NP_000161.2, residues 424-444): RAGHQLQHDL[Phe434Leu]FDTLKIQCGC